The following is an entry in ClinVar:

NM_001003694.2(BRPF1):c.1419T>G (p.Asp473Glu)

Gene: BRPF1 (bromodomain and PHD finger containing 1; plus strand). Cytogenetic location: 3p25.3.
Variant type: single nucleotide variant.
Coding change: c.1419T>G on transcript NM_001003694.2 (MANE Select); coding-DNA position 1419, T replaced by G.
Protein change: p.Asp473Glu; replaces aspartic acid 473 with glutamic acid.
Molecular consequence: missense variant. On other transcripts: non-coding transcript variant (1).
Genome position (GRCh38, 1-based): chr3:9,739,818, T>G. VCF-style: chr3-9739818-T-G. GRCh37 (hg19) VCF-style: chr3-9781502-T-G.
Other names: c.1419T>G, p.Asp473Glu (NM_001319049.2, NM_001319050.2, NM_001410704.1 and 1 more transcripts); short protein forms D473E.
Identifiers: ClinVar variation 3045981 (VCV003045981.2), dbSNP rs141839642, ClinGen allele CA2241860.

ClinVar aggregate classification (germline): Likely benign (0 of 4 stars; one submission).

Conditions:
BRPF1-related disorder. Also called: BRPF1-related condition.

Allele frequency attached by ClinVar (database versions not stated): gnomAD exomes 0.00007; ExAC 0.00046; TOPMed 0.00076; gnomAD 0.00077; 1000 Genomes Project 0.00080; ESP Exome Variant Server 0.00092; 1000 Genomes Project 30x 0.00094.
gnomAD v4.1: 229 of 1,608,322 alleles (0.014%); highest among the groups gnomAD compares: African/African-American, 0.26%; 1 homozygote.

Submission:

PreventionGenetics, part of Exact Sciences
Classification: Likely benign for BRPF1-related condition. Last evaluated: 2019-11-14. Review status: no assertion criteria provided. Collection method: clinical testing. Allele origin: germline.
Comment: This variant is classified as likely benign based on ACMG/AMP sequence variant interpretation guidelines (Richards et al. 2015 PMID: 25741868, with internal and published modifications).